The following is an entry in ClinVar:

NM_022458.4(LMBR1):c.423+4545T>C

Genes: LMBR1 (limb development membrane protein 1; minus strand), ZRS (ZPA regulatory sequence; plus strand). Cytogenetic location: 7q36.3.
Variant type: single nucleotide variant.
Coding change: c.423+4545T>C on transcript NM_022458.4 (MANE Select); 4545 bases into the intron after coding-DNA position 423, T replaced by C.
Molecular consequence: intron variant.
Genome position (GRCh38, 1-based): chr7:156,791,844, A>G on the plus strand (T>C on the coding strand, the complement: LMBR1 is on the minus strand). VCF-style: chr7-156791844-A-G. GRCh37 (hg19) VCF-style: chr7-156584538-A-G.
Other names: c.360+4545T>C (NM_001363412.2); c.144+4545T>C (NM_001350954.2); c.423+4545T>C (NM_001363410.2, NM_001363409.2, NM_001350953.2); c.-112+4545T>C (NM_001350958.2, NM_001350956.2, NM_001350955.2 and 1 more transcripts); c.54+4545T>C (NM_001350957.2, NM_001363411.2).
Identifiers: ClinVar variation 426635 (VCV000426635.10), dbSNP rs376183960, ClinGen allele CA169823510.

ClinVar aggregate classification (germline): Conflicting classifications of pathogenicity. Review status: criteria provided, conflicting classifications (1 of 4 stars). 2 submissions from 2 submitters: Uncertain significance (1); Likely benign (1). Last evaluated 2024-12-02.

Allele frequency attached by ClinVar (database versions not stated): gnomAD 0.00027 and 0.00029; TOPMed 0.00039.
gnomAD v4.1: 40 of 152,320 alleles (0.026%); highest among the groups gnomAD compares: African/African-American, 0.094%; no homozygotes.

Submissions (2):

Labcorp Genetics (formerly Invitae), Labcorp
Classification: Likely benign. Last evaluated: 2024-12-02. Review status: criteria provided, single submitter. Criteria: Invitae Variant Classification Sherloc (09022015). Collection method: clinical testing. Allele origin: germline.

GeneDx
Classification: Uncertain significance. Last evaluated: 2023-10-05. Review status: criteria provided, single submitter. Criteria: GeneDx Variant Classification Process June 2021. Collection method: clinical testing. Allele origin: germline. Affected: yes.
Comment: Nucleotide substitution has no predicted effect on splicing and is not conserved across species; Has not been previously published as pathogenic or benign to our knowledge